The following is an entry in ClinVar:

ClinVar aggregate classification (germline): Likely benign. Review status: criteria provided, multiple submitters, no conflicts (2 of 4 stars). 4 submissions from 4 submitters: Likely benign (4). Last evaluated 2026-01-05.

Conditions:
Hereditary cancer-predisposing syndrome. Also called: Hereditary Cancer Syndrome; Tumor predisposition; Hereditary neoplastic syndrome; Neoplastic Syndromes, Hereditary. Identifiers: Orphanet 140162, MedGen C0027672, MeSH D009386, MONDO:0015356.
Gorlin syndrome. Also called: Nevoid Basal Cell Carcinoma Syndrome; Basal cell nevus syndrome. Identifiers: Orphanet 377, MedGen C0004779, MONDO:0007187.

Allele frequency attached by ClinVar (database versions not stated): gnomAD 0.00001; gnomAD exomes 0.00002; TOPMed 0.00002.
gnomAD v4.1: 35 of 1,613,516 alleles (0.0022%); highest among the groups gnomAD compares: Non-Finnish European, 0.0029%; no homozygotes.

Submissions (4):

Labcorp Genetics (formerly Invitae), Labcorp
Classification: Likely benign for Gorlin syndrome. Last evaluated: 2026-01-05. Review status: criteria provided, single submitter. Criteria: Invitae Variant Classification Sherloc (09022015). Collection method: clinical testing. Allele origin: germline.

Blueprint Genetics
Classification: Likely benign. Last evaluated: 2022-06-10. Review status: criteria provided, single submitter. Criteria: ACMG Guidelines, 2015. Collection method: clinical testing. Allele origin: germline.

Ambry Genetics
Classification: Likely benign for Hereditary cancer-predisposing syndrome. Last evaluated: 2021-06-11. Review status: criteria provided, single submitter. Criteria: Ambry Variant Classification Scheme 2023. Collection method: clinical testing. Allele origin: germline.

GeneDx
Classification: Likely benign. Last evaluated: 2017-03-08. Review status: criteria provided, single submitter. Criteria: GeneDx Variant Classification (06012015). Collection method: clinical testing. Allele origin: germline. Affected: yes.
Comment: This variant is considered likely benign or benign based on one or more of the following criteria: it is a conservative change, it occurs at a poorly conserved position in the protein, it is predicted to be benign by multiple in silico algorithms, and/or has population frequency not consistent with disease.

NM_000264.5(PTCH1):c.1419C>T (p.Gly473=)

Gene: PTCH1 (patched 1; minus strand). Cytogenetic location: 9q22.32.
Variant type: single nucleotide variant.
Coding change: c.1419C>T on transcript NM_000264.5 (MANE Select); coding-DNA position 1419, C replaced by T.
Protein change: p.Gly473=; no amino-acid change (glycine 473 retained).
Molecular consequence: synonymous variant. On other transcripts: non-coding transcript variant (1), intron variant (1).
Genome position (GRCh38, 1-based): chr9:95,477,631, G>A on the plus strand (C>T on the coding strand, the complement: PTCH1 is on the minus strand). VCF-style: chr9-95477631-G-A. GRCh37 (hg19) VCF-style: chr9-98239913-G-A.
Other names: c.1221C>T, p.Gly407= (NM_001083602.3); c.1416C>T, p.Gly472= (NM_001083603.3); c.966C>T, p.Gly322= (NM_001083604.3, NM_001083605.3, NM_001083606.3 and 1 more transcripts); c.1347+424C>T (NM_001354918.2).
Identifiers: ClinVar variation 507969 (VCV000507969.15), dbSNP rs774841100, ClinGen allele CA5138658.